The following is an entry in ClinVar:

ClinVar aggregate classification (germline): Benign/Likely benign. Review status: criteria provided, multiple submitters, no conflicts (2 of 4 stars). 7 submissions from 7 submitters: Benign (5); Likely benign (2). Last evaluated 2026-01-28.

Conditions:
Neutropenia, severe congenital, 2, autosomal dominant. Identifiers: Orphanet 486, MedGen C2751288, MONDO:0013139, OMIM 613107.

Submissions (7):

Women's Health and Genetics/Laboratory Corporation of America, LabCorp
Classification: Benign. Last evaluated: 2026-01-28. Review status: criteria provided, single submitter. Criteria: LabCorp Variant Classification Summary - May 2015. Collection method: clinical testing. Allele origin: germline.
Comment: Variant summary: GFI1 c.925-6_925-5delCT alters a nucleotide located at a position not widely known to affect splicing. Consensus agreement among computation tools predict no significant impact on normal splicing. However, these predictions have yet to be confirmed by functional studies. The variant allele was found at a frequency of 0.14 in 21844 control chromosomes in the gnomAD database, including 301 homozygotes. The observed variant frequency exceeds the estimated maximal expected allele frequency for disease-causing variants in GFI1. To our knowledge, no occurrence of c.925-6_925-5delCT in individuals affected with GFI1-related conditions and no experimental evidence demonstrating its impact on protein function have been reported. ClinVar contains an entry for this variant (Variation ID: 298182). Based on the evidence outlined above, the variant was classified as benign.

Labcorp Genetics (formerly Invitae), Labcorp
Classification: Benign for Neutropenia, severe congenital, 2, autosomal dominant. Last evaluated: 2026-01-26. Review status: criteria provided, single submitter. Criteria: Invitae Variant Classification Sherloc (09022015). Collection method: clinical testing. Allele origin: germline.

Genomic Medicine Center of Excellence, King Faisal Specialist Hospital and Research Centre
Classification: Benign for Neutropenia, severe congenital, 2, autosomal dominant. Last evaluated: 2025-09-10. Review status: criteria provided, single submitter. Criteria: ACMG Guidelines, 2015. Collection method: clinical testing. Allele origin: germline.

Laboratory of Genetics, Children's Clinical University Hospital Latvia
Classification: Likely benign. Last evaluated: 2025-02-16. Review status: criteria provided, single submitter. Criteria: ACMG Guidelines, 2015. Collection method: clinical testing. Allele origin: germline. Affected: yes.

Blueprint Genetics
Classification: Likely benign. Last evaluated: 2024-11-26. Review status: criteria provided, single submitter. Criteria: ACMG Guidelines, 2015. Collection method: clinical testing. Allele origin: germline.

GeneDx
Classification: Benign. Last evaluated: 2021-05-04. Review status: criteria provided, single submitter. Criteria: GeneDx Variant Classification Process June 2021. Collection method: clinical testing. Allele origin: germline. Affected: yes.

Mayo Clinic Laboratories, Mayo Clinic
Classification: Benign. Last evaluated: 2018-11-07. Review status: criteria provided, single submitter. Criteria: ACMG Guidelines, 2015. Collection method: clinical testing. Allele origin: germline. Observed: 134 variant alleles.

NM_005263.5(GFI1):c.925-40CT[17]

Gene: GFI1 (growth factor independent 1 transcriptional repressor; minus strand). Cytogenetic location: 1p22.1.
Variant type: Microsatellite.
Coding change: c.925-40CT[17] on transcript NM_005263.5 (MANE Select); 17 copies in a row of the 2-base unit CT starting at c.925-40; the reference has 18 copies in a row; one copy, 2 bases deleted.
Molecular consequence: intron variant.
Genome position (GRCh38, 1-based): chr1:92,478,758-92,478,759, AG deleted on the plus strand (CT on the coding strand, the reverse complement: GFI1 is on the minus strand); deleting any 2 consecutive bases within chr1:92,478,758-92,478,794 gives the same sequence; the position shown is the placement nearest the transcript's 3' end. VCF-style (leftmost placement, unchanged base first): chr1-92478757-CAG-C. GRCh37 (hg19) VCF-style: chr1-92944314-CAG-C.
Other names: p.?; c.925-40CT[17] (NM_001127216.3, NM_001127215.3); c.925-6_925-5del (NM_001127216.2, NM_005263.5); c.925-6_925-5delCT (NM_005263.5).
Identifiers: ClinVar variation 298182 (VCV000298182.20), dbSNP rs35896485, ClinGen allele CA951269.